The following is an entry in ClinVar:

NM_001267550.2(TTN):c.84567T>G (p.Tyr28189Ter)

Genes: TTN-AS1 (TTN antisense RNA 1; plus strand), TTN (titin; minus strand). Cytogenetic location: 2q31.2.
Variant type: single nucleotide variant.
Coding change: c.84567T>G on transcript NM_001267550.2 (MANE Select); coding-DNA position 84567, T replaced by G.
Protein change: p.Tyr28189Ter; replaces tyrosine 28189 with a stop codon.
Molecular consequence: nonsense.
Genome position (GRCh38, 1-based): chr2:178,561,565, A>C on the plus strand (T>G on the coding strand, the complement: TTN is on the minus strand). VCF-style: chr2-178561565-A-C. GRCh37 (hg19) VCF-style: chr2-179426292-A-C.
Other names: c.79644T>G, p.Tyr26548Ter (NM_001256850.1); c.57372T>G, p.Tyr19124Ter (NM_003319.4); c.76863T>G, p.Tyr25621Ter (NM_133378.4); c.57747T>G, p.Tyr19249Ter (NM_133432.3); c.57948T>G, p.Tyr19316Ter (NM_133437.4); short protein forms Y19249*, Y28189*, Y19124*, Y26548*, Y19316*, Y25621*.
Identifiers: ClinVar variation 4786915 (VCV004786915.1).

ClinVar aggregate classification (germline): Likely pathogenic (1 of 4 stars; one submission).

Conditions:
Autosomal recessive limb-girdle muscular dystrophy type 2J (LGMDR10). Also called: Limb-girdle muscular dystrophy, type 2J; MUSCULAR DYSTROPHY, LIMB-GIRDLE, AUTOSOMAL RECESSIVE 10. Identifiers: Orphanet 140922, MedGen C1837342, MONDO:0012127, OMIM 608807.
Dilated cardiomyopathy 1G (CMD1G). Identifiers: Orphanet 154, MedGen C1858763, MONDO:0011400, OMIM 604145.

Submission:

Labcorp Genetics (formerly Invitae), Labcorp
Classification: Likely pathogenic for Dilated cardiomyopathy 1G; Autosomal recessive limb-girdle muscular dystrophy type 2J. Last evaluated: 2025-12-08. Review status: criteria provided, single submitter. Criteria: Invitae Variant Classification Sherloc (09022015). Collection method: clinical testing. Allele origin: germline.
Comment: This sequence change creates a premature translational stop signal (p.Tyr28189*) in the TTN gene. While this is not anticipated to result in nonsense mediated decay, it is expected to create a truncated TTN protein. This variant is not present in population databases (gnomAD no frequency). This variant has not been reported in the literature in individuals affected with TTN-related conditions. This variant is located in the A band of TTN (PMID: 25589632). Truncating variants in this region are significantly overrepresented in patients affected with dilated cardiomyopathy (PMID: 25589632). Truncating variants in this region have also been reported in individuals affected with autosomal recessive centronuclear myopathy (PMID: 23975875). In summary, the currently available evidence indicates that the variant is pathogenic, but additional data are needed to prove that conclusively. Therefore, this variant has been classified as Likely Pathogenic.

Literature cited by the submitters: PubMed 25589632; PubMed 23975875.